The following is an entry in ClinVar:

ClinVar aggregate classification (germline): Conflicting classifications of pathogenicity. Review status: criteria provided, conflicting classifications (1 of 4 stars). 4 submissions from 4 submitters: Uncertain significance (3); Likely benign (1). Last evaluated 2024-06-12.

Conditions:
Bethlem myopathy 1A. Also called: MYOPATHY, BENIGN CONGENITAL, WITH CONTRACTURES; Bethlem myopathy 1; Bethlem Muscular Dystrophy. Identifiers: Orphanet 610, MedGen CN029274, MONDO:0024530, OMIM 158810.

Allele frequency attached by ClinVar (database versions not stated): gnomAD 0.00001; TOPMed below 0.00001; gnomAD exomes 0.00001.
gnomAD v4.1: 17 of 1,611,644 alleles (0.0011%); highest among the groups gnomAD compares: South Asian, 0.0044%; no homozygotes.

Submissions (4):

GeneDx
Classification: Uncertain significance. Last evaluated: 2024-06-12. Review status: criteria provided, single submitter. Criteria: GeneDx Variant Classification Process June 2021. Collection method: clinical testing. Allele origin: germline. Affected: yes.
Comment: Not observed at significant frequency in large population cohorts (gnomAD); In silico analysis supports that this missense variant has a deleterious effect on protein structure/function; Has not been previously published as pathogenic or benign to our knowledge

Labcorp Genetics (formerly Invitae), Labcorp
Classification: Likely benign for Bethlem myopathy 1A. Last evaluated: 2023-10-20. Review status: criteria provided, single submitter. Criteria: Invitae Variant Classification Sherloc (09022015). Collection method: clinical testing. Allele origin: germline.

CeGaT Center for Human Genetics Tuebingen
Classification: Uncertain significance. Last evaluated: 2016-06-01. Review status: criteria provided, single submitter. Criteria: CeGaT Center For Human Genetics Tuebingen Variant Classification Criteria Version 2. Collection method: clinical testing. Allele origin: germline. Affected: yes. Observed: 1 variant allele.

Eurofins Ntd Llc (ga)
Classification: Uncertain significance. Last evaluated: 2012-11-05. Review status: criteria provided, single submitter. Criteria: EGL Classification Definitions 2015. Collection method: clinical testing. Allele origin: germline. Observed: 2 variant alleles, 2 heterozygotes.

NM_004369.4(COL6A3):c.421G>A (p.Gly141Arg)

Gene: COL6A3 (collagen type VI alpha 3 chain; minus strand). Cytogenetic location: 2q37.3.
Variant type: single nucleotide variant.
Coding change: c.421G>A on transcript NM_004369.4 (MANE Select); coding-DNA position 421, G replaced by A.
Protein change: p.Gly141Arg; replaces glycine 141 with arginine.
Molecular consequence: missense variant. On other transcripts: intron variant (4).
Genome position (GRCh38, 1-based): chr2:237,394,875, C>T on the plus strand (G>A on the coding strand, the complement: COL6A3 is on the minus strand). VCF-style: chr2-237394875-C-T. GRCh37 (hg19) VCF-style: chr2-238303518-C-T.
Other names: c.91+1852G>A (NM_057166.5, NM_057167.4, NM_057164.5 and 1 more transcripts).
Identifiers: ClinVar variation 94930 (VCV000094930.48), dbSNP rs398124120, ClinGen allele CA222603.